The following is an entry in ClinVar:

NM_000016.6(ACADM):c.1073A>G (p.Lys358Arg)

Gene: ACADM (acyl-CoA dehydrogenase medium chain; plus strand). Cytogenetic location: 1p31.1.
Variant type: single nucleotide variant.
Coding change: c.1073A>G on transcript NM_000016.6 (MANE Select); coding-DNA position 1073, A replaced by G.
Protein change: p.Lys358Arg; replaces lysine 358 with arginine.
Molecular consequence: missense variant.
Genome position (GRCh38, 1-based): chr1:75,761,249, A>G. VCF-style: chr1-75761249-A-G. GRCh37 (hg19) VCF-style: chr1-76226934-A-G.
Other names: c.1085A>G, p.Lys362Arg (NM_001127328.3); c.965A>G, p.Lys322Arg (NM_001286042.2); c.1172A>G, p.Lys391Arg (NM_001286043.2); c.506A>G, p.Lys169Arg (NM_001286044.2); short protein forms K362R, K169R, K322R, K391R, K358R.
Identifiers: ClinVar variation 3664743 (VCV003664743.2).

ClinVar aggregate classification (germline): Uncertain significance (1 of 4 stars; one submission).

Conditions:
Medium-chain acyl-coenzyme A dehydrogenase deficiency (ACADMD). Also called: ACADM DEFICIENCY; MCADH DEFICIENCY; CARNITINE DEFICIENCY SECONDARY TO MEDIUM-CHAIN ACYL-CoA DEHYDROGENASE DEFICIENCY; Medium chain acyl-CoA dehydrogenase deficiency; MCADD; MCAD Deficiency. Identifiers: Orphanet 42, MedGen C0220710, MONDO:0008721, OMIM 201450.

Submission:

Labcorp Genetics (formerly Invitae), Labcorp
Classification: Uncertain significance for Medium-chain acyl-coenzyme A dehydrogenase deficiency. Last evaluated: 2025-11-27. Review status: criteria provided, single submitter. Criteria: Invitae Variant Classification Sherloc (09022015). Collection method: clinical testing. Allele origin: germline.
Comment: This sequence change replaces lysine, which is basic and polar, with arginine, which is basic and polar, at codon 358 of the ACADM protein (p.Lys358Arg). This variant is not present in population databases (gnomAD no frequency). This missense change has been observed in individual(s) with ACADM-related conditions (internal data). ClinVar contains an entry for this variant (Variation ID: 3664743). Invitae Evidence Modeling of protein sequence and biophysical properties (such as structural, functional, and spatial information, amino acid conservation, physicochemical variation, residue mobility, and thermodynamic stability) indicates that this missense variant is expected to disrupt ACADM protein function with a positive predictive value of 80%. This variant disrupts the p.Lys358 amino acid residue in ACADM. Other variant(s) that disrupt this residue have been observed in individuals with ACADM-related conditions (PMID: 21083904), which suggests that this may be a clinically significant amino acid residue. In summary, the available evidence is currently insufficient to determine the role of this variant in disease. Therefore, it has been classified as a Variant of Uncertain Significance.

Literature cited by the submitters: PubMed 21083904.